The following is an entry in ClinVar:

ClinVar aggregate classification (germline): Uncertain significance (1 of 4 stars; one submission).

Submission:

Labcorp Genetics (formerly Invitae), Labcorp
Classification: Uncertain significance. Last evaluated: 2023-06-06. Review status: criteria provided, single submitter. Criteria: Invitae Variant Classification Sherloc (09022015). Collection method: clinical testing. Allele origin: germline.
Comment: In summary, the available evidence is currently insufficient to determine the role of this variant in disease. Therefore, it has been classified as a Variant of Uncertain Significance. An algorithm developed to predict the effect of missense changes on protein structure and function (PolyPhen-2) suggests that this variant is likely to be disruptive. This variant has not been reported in the literature in individuals affected with HSPG2-related conditions. This variant is not present in population databases (gnomAD no frequency). This sequence change replaces serine, which is neutral and polar, with arginine, which is basic and polar, at codon 1510 of the HSPG2 protein (p.Ser1510Arg).

NM_005529.7(HSPG2):c.4530C>A (p.Ser1510Arg)

Gene: HSPG2 (heparan sulfate proteoglycan 2; minus strand). Cytogenetic location: 1p36.12.
Variant type: single nucleotide variant.
Coding change: c.4530C>A on transcript NM_005529.7 (MANE Select); coding-DNA position 4530, C replaced by A.
Protein change: p.Ser1510Arg; replaces serine 1510 with arginine.
Molecular consequence: missense variant.
Genome position (GRCh38, 1-based): chr1:21,864,939, G>T on the plus strand (C>A on the coding strand, the complement: HSPG2 is on the minus strand). VCF-style: chr1-21864939-G-T. GRCh37 (hg19) VCF-style: chr1-22191432-G-T.
Other names: c.4533C>A, p.Ser1511Arg (NM_001291860.2); short protein forms S1510R, S1511R.
Identifiers: ClinVar variation 2777681 (VCV002777681.1), dbSNP rs1428442814, ClinGen allele CA338954742.